The following is an entry in ClinVar:

NM_000138.5(FBN1):c.6920G>C (p.Cys2307Ser)

Gene: FBN1 (fibrillin 1; minus strand). Cytogenetic location: 15q21.1.
Variant type: single nucleotide variant.
Coding change: c.6920G>C on transcript NM_000138.5 (MANE Select); coding-DNA position 6920, G replaced by C.
Protein change: p.Cys2307Ser; replaces cysteine 2307 with serine.
Molecular consequence: missense variant.
Genome position (GRCh38, 1-based): chr15:48,428,423, C>G on the plus strand (G>C on the coding strand, the complement: FBN1 is on the minus strand). VCF-style: chr15-48428423-C-G. GRCh37 (hg19) VCF-style: chr15-48720620-C-G.
Other names: short protein forms C2307S.
Identifiers: ClinVar variation 16422 (VCV000016422.3), dbSNP rs137854457, ClinGen allele CA016845.

ClinVar aggregate classification (germline): Pathogenic. Review status: criteria provided, single submitter (1 of 4 stars). 3 submissions from 3 submitters: Pathogenic (1). 2 of the submissions do not count toward it. Last evaluated 2025-12-03.

Conditions:
Familial thoracic aortic aneurysm and aortic dissection (TAAD). Also called: Thoracic aortic aneurysms and dissections. Identifiers: Orphanet 91387, MedGen C4707243, MONDO:0019625.
Marfan syndrome (MFS). Also called: FBN1-Related Marfan Syndrome; Marfan syndrome type 1; Marfan's syndrome; Marfan syndrome, classic; MARFAN SYNDROME, TYPE I. Identifiers: Orphanet 284963, Orphanet 558, MedGen C0024796, MONDO:0007947, OMIM 154700.
MARFAN SYNDROME, MILD VARIABLE. Identifiers: MedGen C4016053.

Submissions (3):

Labcorp Genetics (formerly Invitae), Labcorp
Classification: Pathogenic for Marfan syndrome; Familial thoracic aortic aneurysm and aortic dissection. Last evaluated: 2025-12-03. Review status: criteria provided, single submitter. Criteria: Invitae Variant Classification Sherloc (09022015). Collection method: clinical testing. Allele origin: germline.
Comment: This sequence change replaces cysteine, which is neutral and slightly polar, with serine, which is neutral and polar, at codon 2307 of the FBN1 protein (p.Cys2307Ser). This variant is not present in population databases (gnomAD no frequency). This missense change has been observed in individual(s) with Marfan syndrome (PMID: 8541880). ClinVar contains an entry for this variant (Variation ID: 16422). Invitae Evidence Modeling of protein sequence and biophysical properties (such as structural, functional, and spatial information, amino acid conservation, physicochemical variation, residue mobility, and thermodynamic stability) indicates that this missense variant is expected to disrupt FBN1 protein function with a positive predictive value of 95%. This variant affects a cysteine residue in the EGF-like, TGFBP or hybrid motif domains of FBN1. Cysteine residues are believed to be involved in intramolecular disulfide bridges and have been shown to be important for FBN1 protein structure (PMID: 16905551, 19349279). In addition, missense substitutions affecting cysteine residues within these domains are significantly overrepresented among patients with Marfan syndrome (PMID: 16571647, 17701892). This variant disrupts the p.Cys2307 amino acid residue in FBN1. Other variant(s) that disrupt this residue have been observed in individuals with FBN1-related conditions (PMID: 1569206, 19293843, 24793577; internal data), which suggests that this may be a clinically significant amino acid residue. For these reasons, this variant has been classified as Pathogenic.

Center for Medical Genetics Ghent, University of Ghent
Classification: Pathogenic for Marfan syndrome. Last evaluated: 2017-11-07. Review status: no assertion criteria provided. Collection method: clinical testing. Allele origin: germline. Affected: yes. Not counted in ClinVar's aggregate classification.

OMIM
Classification: Pathogenic for MARFAN SYNDROME, MILD VARIABLE. Last evaluated: 1992-01-01. Review status: no assertion criteria provided. Collection method: literature only. Allele origin: germline. Not counted in ClinVar's aggregate classification.

Literature cited by the submitters: PubMed 8541880 (cited by Labcorp Genetics (formerly Invitae), Labcorp); PubMed 16905551 (cited by Labcorp Genetics (formerly Invitae), Labcorp); PubMed 19349279 (cited by Labcorp Genetics (formerly Invitae), Labcorp); PubMed 16571647 (cited by Labcorp Genetics (formerly Invitae), Labcorp); PubMed 17701892 (cited by Labcorp Genetics (formerly Invitae), Labcorp); PubMed 1569206 (cited by Labcorp Genetics (formerly Invitae), Labcorp); PubMed 19293843 (cited by Labcorp Genetics (formerly Invitae), Labcorp); PubMed 24793577 (cited by Labcorp Genetics (formerly Invitae), Labcorp); PubMed 1301946 (cited by OMIM).